The following is an entry in ClinVar:

ClinVar aggregate classification (germline): Uncertain significance. Review status: criteria provided, multiple submitters, no conflicts (2 of 4 stars). 2 submissions from 2 submitters: Uncertain significance (2). Last evaluated 2024-11-21.

Conditions:
Hereditary cancer-predisposing syndrome. Also called: Neoplastic Syndromes, Hereditary; Tumor predisposition; Hereditary neoplastic syndrome; Hereditary Cancer Syndrome. Identifiers: Orphanet 140162, MedGen C0027672, MeSH D009386, MONDO:0015356.
Familial cancer of breast. Also called: hereditary breast carcinoma; Hereditary breast cancer; BREAST CANCER, FAMILIAL. Identifiers: Orphanet 227535, MedGen C0346153, MONDO:0016419, OMIM 114480. Disease mechanism: loss of function.

Submissions (2):

Ambry Genetics
Classification: Uncertain significance for Hereditary cancer-predisposing syndrome. Last evaluated: 2024-11-21. Review status: criteria provided, single submitter. Criteria: Ambry Variant Classification Scheme 2023. Collection method: clinical testing. Allele origin: germline.
Comment: The p.G403E variant (also known as c.1208G>A), located in coding exon 10 of the CHEK2 gene, results from a G to A substitution at nucleotide position 1208. The glycine at codon 403 is replaced by glutamic acid, an amino acid with similar properties. This amino acid position is highly conserved in available vertebrate species. In addition, this alteration is predicted to be deleterious by in silico analysis. Based on the available evidence, the clinical significance of this variant remains unclear.

Labcorp Genetics (formerly Invitae), Labcorp
Classification: Uncertain significance for Familial cancer of breast. Last evaluated: 2022-10-17. Review status: criteria provided, single submitter. Criteria: Invitae Variant Classification Sherloc (09022015). Collection method: clinical testing. Allele origin: germline.
Comment: In summary, the available evidence is currently insufficient to determine the role of this variant in disease. Therefore, it has been classified as a Variant of Uncertain Significance. Algorithms developed to predict the effect of missense changes on protein structure and function are either unavailable or do not agree on the potential impact of this missense change (SIFT: "Deleterious"; PolyPhen-2: "Probably Damaging"; Align-GVGD: "Class C0"). ClinVar contains an entry for this variant (Variation ID: 1356086). This variant has not been reported in the literature in individuals affected with CHEK2-related conditions. This variant is not present in population databases (gnomAD no frequency). This sequence change replaces glycine, which is neutral and non-polar, with glutamic acid, which is acidic and polar, at codon 403 of the CHEK2 protein (p.Gly403Glu).

NM_007194.4(CHEK2):c.1208G>A (p.Gly403Glu)

Gene: CHEK2 (checkpoint kinase 2; minus strand). Cytogenetic location: 22q12.1.
Variant type: single nucleotide variant.
Coding change: c.1208G>A on transcript NM_007194.4 (MANE Select); coding-DNA position 1208, G replaced by A.
Protein change: p.Gly403Glu; replaces glycine 403 with glutamic acid.
Molecular consequence: missense variant.
Genome position (GRCh38, 1-based): chr22:28,695,761, C>T on the plus strand (G>A on the coding strand, the complement: CHEK2 is on the minus strand). VCF-style: chr22-28695761-C-T. GRCh37 (hg19) VCF-style: chr22-29091749-C-T.
Other names: c.1337G>A, p.Gly446Glu (NM_001005735.3); c.545G>A, p.Gly182Glu (NM_001257387.3); c.1007G>A, p.Gly336Glu (NM_001349956.3); c.1121G>A, p.Gly374Glu (NM_145862.3); short protein forms G182E, G374E, G403E, G446E, G336E.
Identifiers: ClinVar variation 1356086 (VCV001356086.10), dbSNP rs1435731482, ClinGen allele CA411096742.